The following is an entry in ClinVar:

ClinVar aggregate classification (germline): Likely benign (1 of 4 stars; one submission).

Submission:

CeGaT Center for Human Genetics Tuebingen
Classification: Likely benign. Last evaluated: 2026-08-01. Review status: criteria provided, single submitter. Criteria: CeGaT Center For Human Genetics Tuebingen Variant Classification Criteria Version 2. Collection method: clinical testing. Allele origin: germline. Affected: yes. Observed: 3 variant alleles.
Comment: BTBD17: PM2:Supporting, BP4, BP7

NM_001080466.2(BTBD17):c.690G>C (p.Leu230=)

Gene: BTBD17 (BTB domain containing 17; minus strand). Cytogenetic location: 17q25.1.
Variant type: single nucleotide variant.
Coding change: c.690G>C on transcript NM_001080466.2 (MANE Select); coding-DNA position 690, G replaced by C.
Protein change: p.Leu230=; no amino-acid change (leucine 230 retained).
Molecular consequence: synonymous variant.
Genome position (GRCh38, 1-based): chr17:74,357,404, C>G on the plus strand (G>C on the coding strand, the complement: BTBD17 is on the minus strand). VCF-style: chr17-74357404-C-G. GRCh37 (hg19) VCF-style: chr17-72353543-C-G.
Identifiers: ClinVar variation 3250799 (VCV003250799.18), dbSNP rs2509858582.
Genomic context (GRCh38, chr17:74,357,404, plus strand): 5'-CCGCTCGGCCACGGCAGGGGGCGGCCGCGCGCGACCCAGCCAGGCCTCCAGCGCGTGGAA[C>G]AGCTCCAGTTCATCCTGCAGCACCAGGTCCGAGCGTTGCAGGAGCTGCCAGAGCAGCTCG-3'
Protein context (NP_001073935.1, residues 220-240): SDLVLQDELE[Leu230=]FHALEAWLGR